The following is an entry in ClinVar:

ClinVar aggregate classification (germline): Pathogenic/Likely pathogenic. Review status: criteria provided, multiple submitters, no conflicts (2 of 4 stars). 4 submissions from 4 submitters: Pathogenic (2); Likely pathogenic (1). 1 of the submissions does not count toward it. Last evaluated 2026-09-08.

Conditions:
Fabry disease. Also called: Ceramide trihexosidosis; Fabry's disease; CERAMIDE TRIHEXOSIDASE DEFICIENCY; GLA DEFICIENCY; HEREDITARY DYSTOPIC LIPIDOSIS; ALPHA-GALACTOSIDASE A DEFICIENCY. Identifiers: Orphanet 324, MedGen C0002986, MONDO:0010526, OMIM 301500, HP:0001071. Disease mechanism: Fabry disease is due to inactivating mutations in the X-linked GLA gene resulting in deficiency of the enzyme Alpha Galactosidase-A., loss of function.

Submissions (4):

Genomenon, Inc
Classification: Pathogenic for Fabry disease. Last evaluated: 2026-09-08. Review status: criteria provided, single submitter. Criteria: Genomenon Sequence Variant Interpretation Standards - Updated. Collection method: curation. Allele origin: germline. Affected: yes.
Comment: GLA p.Ile319LeufsTer31 (c.950_954dup) is a frameshift variant that is predicted to introduce a premature termination codon and result in a truncated or absent protein product. This variant has been observed in at least one proband with clinical features consistent with Fabry disease (PMID:7504405). It is absent or not present at a significant frequency in gnomAD. In conclusion, we classify GLA p.Ile319LeufsTer31 (c.950_954dup) as a pathogenic variant.

Labcorp Genetics (formerly Invitae), Labcorp
Classification: Pathogenic for Fabry disease. Last evaluated: 2025-12-31. Review status: criteria provided, single submitter. Criteria: Invitae Variant Classification Sherloc (09022015). Collection method: clinical testing. Allele origin: germline.
Comment: This sequence change creates a premature translational stop signal (p.Ile319Leufs*31) in the GLA gene. While this is not anticipated to result in nonsense mediated decay, it is expected to disrupt the last 111 amino acid(s) of the GLA protein. This variant is not present in population databases (gnomAD no frequency). This premature translational stop signal has been observed in individual(s) with clinical features of Fabry disease (PMID: 7504405; internal data). ClinVar contains an entry for this variant (Variation ID: 10752). This variant disrupts a region of the GLA protein in which other variant(s) (p.Thr412Ile) have been determined to be pathogenic (internal data). This suggests that this is a clinically significant region of the protein, and that variants that disrupt it are likely to be disease-causing. For these reasons, this variant has been classified as Pathogenic.

GeneDx
Classification: Likely pathogenic. Last evaluated: 2024-11-20. Review status: criteria provided, single submitter. Criteria: GeneDx Variant Classification Process June 2021. Collection method: clinical testing. Allele origin: germline. Affected: yes.
Comment: Frameshift variant predicted to result in abnormal protein length as the last 111 amino acid(s) are replaced with 30 different amino acid(s), and other similar variants have been reported in HGMD; Not observed at significant frequency in large population cohorts (gnomAD); This variant is associated with the following publications: (PMID: 7504405)

OMIM
Classification: Pathogenic for FABRY DISEASE. Last evaluated: 1993-12-01. Review status: no assertion criteria provided. Collection method: literature only. Allele origin: germline. Not counted in ClinVar's aggregate classification.

Literature cited by the submitters: PubMed 7504405 (cited by 3 submitters).

NM_000169.3(GLA):c.950_954dup (p.Ile319fs)

Genes: GLA (galactosidase alpha; minus strand), RPL36A-HNRNPH2 (RPL36A-HNRNPH2 readthrough; plus strand). Cytogenetic location: Xq22.1.
Variant type: Duplication.
Coding change: c.950_954dup on transcript NM_000169.3 (MANE Select); coding-DNA positions 950 to 954, 5 bases duplicated (TTGCC; older notation c.950_954dupTTGCC).
Protein change: p.Ile319fs; shifts the reading frame from isoleucine 319.
Molecular consequence: frameshift variant. On other transcripts: non-coding transcript variant (3), intron variant (2).
Genome position (GRCh38, 1-based): chrX:101,398,415-101,398,419, GGCAA duplicated on the plus strand (TTGCC on the coding strand, the reverse complement: GLA is on the minus strand). VCF-style (leftmost placement, unchanged base first): chrX-101398414-T-TGGCAA. GRCh37 (hg19) VCF-style: chrX-100653402-T-TGGCAA.
Other names: c.1073_1077dup, p.Ile360fs (NM_001406747.1); c.950_954dup, p.Ile319fs (NM_001406748.1); c.300+2958_300+2962dup (NM_001199973.2); c.177+6593_177+6597dup (NM_001199974.2); short protein forms I319fs, I360fs.
Identifiers: ClinVar variation 10752 (VCV000010752.7), dbSNP rs1603038220, ClinGen allele CA913190977.